The following is an entry in ClinVar:

NM_000077.5(CDKN2A):c.320G>A (p.Arg107His)

Gene: CDKN2A (cyclin dependent kinase inhibitor 2A; minus strand). Cytogenetic location: 9p21.3.
Variant type: single nucleotide variant.
Coding change: c.320G>A on transcript NM_000077.5; coding-DNA position 320, G replaced by A.
Protein change: p.Arg107His; replaces arginine 107 with histidine.
Molecular consequence: missense variant (on NM_000077.6). On other transcripts: synonymous variant (1), 3 prime UTR variant (1).
Genome position (GRCh38, 1-based): chr9:21,971,039, C>T on the plus strand (G>A on the coding strand, the complement: CDKN2A is on the minus strand). VCF-style: chr9-21971039-C-T. GRCh37 (hg19) VCF-style: chr9-21971038-C-T.
Other names: p.R107H:CGC>CAC; c.320G>A, p.Arg107His (NM_000077.6, NM_001195132.2); c.167G>A, p.Arg56His (NM_001363763.2); c.363G>A, p.Ala121= (NM_058195.4); c.*243G>A (NM_058197.5); short protein forms R107H, R56H.
Identifiers: ClinVar variation 182413 (VCV000182413.27), dbSNP rs370823171, ClinGen allele CA299025.
Genomic context (GRCh38, chr9:21,971,039, plus strand): 5'-GCGACATCGCGATGGCCCAGCTCCTCAGCCAGGTCCACGGGCAGACGGCCCCAGGCATCG[C>T]GCACGTCCAGCCGCGCCCCGGCCCGGTGCAGCACCACCAGCGTGTCCAGGAAGCCCTCCC-3'
Protein context (NP_000068.1, residues 97-117): LHRAGARLDV[Arg107His]DAWGRLPVDL

ClinVar aggregate classification (germline): Conflicting classifications of pathogenicity. Review status: criteria provided, conflicting classifications (1 of 4 stars). 7 submissions from 7 submitters: Uncertain significance (6); Likely benign (1). Last evaluated 2025-01-22.

Conditions:
Familial melanoma. Also called: Hereditary melanoma; Hereditary cutaneous melanoma. Identifiers: Orphanet 618, MedGen C1512419, MONDO:0018961.
Hereditary cancer-predisposing syndrome. Also called: Tumor predisposition; Neoplastic Syndromes, Hereditary; Hereditary neoplastic syndrome; Hereditary Cancer Syndrome. Identifiers: Orphanet 140162, MedGen C0027672, MeSH D009386, MONDO:0015356.
Melanoma and neural system tumor syndrome. Also called: MELANOMA-ASTROCYTOMA SYNDROME. Identifiers: Orphanet 252206, MedGen C1835042, MONDO:0007967, OMIM 155755.

Allele frequency attached by ClinVar (database versions not stated): ExAC 0.00001; gnomAD 0.00001; gnomAD exomes 0.00002; TOPMed 0.00002; ESP Exome Variant Server 0.00008.
gnomAD v4.1: 25 of 1,605,852 alleles (0.0016%); highest among the groups gnomAD compares: Non-Finnish European, 0.0021%; no homozygotes.

Submissions (7):

Quest Diagnostics Nichols Institute San Juan Capistrano
Classification: Uncertain significance. Last evaluated: 2025-01-22. Review status: criteria provided, single submitter. Criteria: Quest Diagnostics criteria. Collection method: clinical testing. Allele origin: unknown.
Comment: The CDKN2A c.320G>A (p.Arg107His) variant has been reported in the published literature in an individual with familial melanoma (PMID: 8710906 (1996)) and acute lymphoblastic leukemia (PMID: 26104880 (2015)). The frequency of this variant in the general population (Genome Aggregation Database) is uninformative in the assessment of its pathogenicity. Analysis of this variant using bioinformatics tools for the prediction of the effect of amino acid changes on protein structure and function yielded conflicting predictions that this variant is deleterious or benign. Based on the available information, we are unable to determine the clinical significance of this variant.

Color Diagnostics, LLC DBA Color Health
Classification: Uncertain significance for Hereditary cancer-predisposing syndrome. Last evaluated: 2025-01-13. Review status: criteria provided, single submitter. Criteria: ACMG Guidelines, 2015. Collection method: clinical testing. Allele origin: germline.
Comment: The CDKN2A locus encodes two different gene products, p16INK4a and p14ARF. This missense variant replaces arginine with histidine at codon 107 of the CDKN2A (p16INK4A) protein. Computational prediction suggests that this variant may not impact protein structure and function. To our knowledge, functional studies have not been reported for this variant. This variant has been reported in an individual affected with acute lymphoblastic leukemia (PMID: 26104880) and in an individual who was unaffected with melanoma (PMID: 21462282). This variant has been identified in 4/235684 chromosomes in the general population by the Genome Aggregation Database (gnomAD). The available evidence is insufficient to determine the role of this variant in disease conclusively. Therefore, this variant is classified as a Variant of Uncertain Significance.

GeneDx
Classification: Uncertain significance. Last evaluated: 2024-09-03. Review status: criteria provided, single submitter. Criteria: GeneDx Variant Classification Process June 2021. Collection method: clinical testing. Allele origin: germline. Affected: yes.
Comment: Not observed at significant frequency in large population cohorts (gnomAD); In silico analysis supports that this missense variant has a deleterious effect on protein structure/function; This variant is associated with the following publications: (PMID: 16354195, 9823374, 26104880, 27294619, 21462282)

Baylor Genetics
Classification: Uncertain significance for Melanoma and neural system tumor syndrome. Last evaluated: 2024-03-19. Review status: criteria provided, single submitter. Criteria: ACMG Guidelines, 2015. Collection method: clinical testing. Allele origin: unknown.

Labcorp Genetics (formerly Invitae), Labcorp
Classification: Uncertain significance for Familial melanoma. Last evaluated: 2023-11-02. Review status: criteria provided, single submitter. Criteria: Invitae Variant Classification Sherloc (09022015). Collection method: clinical testing. Allele origin: germline.
Comment: This sequence change replaces arginine, which is basic and polar, with histidine, which is basic and polar, at codon 107 of the CDKN2A (p16INK4a) protein (p.Arg107His). This variant is present in population databases (rs370823171, gnomAD 0.004%). This missense change has been observed in individual(s) with acute lymphoblastic leukemia (PMID: 26104880). ClinVar contains an entry for this variant (Variation ID: 182413). Algorithms developed to predict the effect of missense changes on protein structure and function output the following: SIFT: "Not Available"; PolyPhen-2: "Benign"; Align-GVGD: "Not Available". The histidine amino acid residue is found in multiple mammalian species, which suggests that this missense change does not adversely affect protein function. In summary, the available evidence is currently insufficient to determine the role of this variant in disease. Therefore, it has been classified as a Variant of Uncertain Significance.

Women's Health and Genetics/Laboratory Corporation of America, LabCorp
Classification: Uncertain significance. Last evaluated: 2021-07-11. Review status: criteria provided, single submitter. Criteria: LabCorp Variant Classification Summary - May 2015. Collection method: clinical testing. Allele origin: germline.
Comment: Variant summary: CDKN2A c.320G>A (p.Arg107His) results in a non-conservative amino acid change located in the Ankyrin repeat-containing domain of the encoded protein sequence. Three of five in-silico tools predict a benign effect of the variant on protein function. The variant allele was found at a frequency of 1.7e-05 in 235684 control chromosomes. The available data on variant occurrences in the general population are insufficient to allow any conclusion about variant significance. c.320G>A has been reported in the literature in one non melanoma carrier (Miller_2011) and in an individual with ALL (Xu_2015). These report(s) do not provide unequivocal conclusions about association of the variant with Cutaneous Malignant Melanoma. To our knowledge, no experimental evidence demonstrating an impact on protein function has been reported. Four clinical diagnostic laboratories have submitted clinical-significance assessments for this variant to ClinVar after 2014 without evidence for independent evaluation (VUS, n=3, likely benign, n=1). At-least one submitter reports a non-specified co-occurrence with a pathogenic variant in another gene that clearly explained the patient phenotype. Based on the evidence outlined above, the variant was classified as uncertain significance.

Ambry Genetics
Classification: Likely benign for Hereditary cancer-predisposing syndrome. Last evaluated: 2018-12-20. Review status: criteria provided, single submitter. Criteria: Ambry Variant Classification Scheme 2023. Collection method: clinical testing. Allele origin: germline.

Literature cited by the submitters: PubMed 8710906 (cited by Quest Diagnostics Nichols Institute San Juan Capistrano and Ambry Genetics); PubMed 26104880 (cited by 4 submitters); PubMed 21462282 (cited by 4 submitters).